The following is an entry in ClinVar:

ClinVar aggregate classification (germline): Uncertain significance (1 of 4 stars; one submission).

Submission:

Labcorp Genetics (formerly Invitae), Labcorp
Classification: Uncertain significance. Last evaluated: 2024-08-14. Review status: criteria provided, single submitter. Criteria: Invitae Variant Classification Sherloc (09022015). Collection method: clinical testing. Allele origin: germline.
Comment: This sequence change replaces glycine, which is neutral and non-polar, with cysteine, which is neutral and slightly polar, at codon 893 of the ALPK3 protein (p.Gly893Cys). This variant is not present in population databases (gnomAD no frequency). This variant has not been reported in the literature in individuals affected with ALPK3-related conditions. An algorithm developed to predict the effect of missense changes on protein structure and function (PolyPhen-2) suggests that this variant is likely to be disruptive. In summary, the available evidence is currently insufficient to determine the role of this variant in disease. Therefore, it has been classified as a Variant of Uncertain Significance.

NM_020778.5(ALPK3):c.2071G>T (p.Gly691Cys)

Gene: ALPK3 (alpha kinase 3; plus strand). Cytogenetic location: 15q25.3.
Variant type: single nucleotide variant.
Coding change: c.2071G>T on transcript NM_020778.5 (MANE Select); coding-DNA position 2071, G replaced by T.
Protein change: p.Gly691Cys; replaces glycine 691 with cysteine.
Molecular consequence: missense variant.
Genome position (GRCh38, 1-based): chr15:84,856,809, G>T. VCF-style: chr15-84856809-G-T. GRCh37 (hg19) VCF-style: chr15-85400040-G-T.
Other names: short protein forms G691C.
Identifiers: ClinVar variation 3679530 (VCV003679530.2).